The following is an entry in ClinVar:

NM_002880.4(RAF1):c.953G>A (p.Arg318Gln)

Gene: RAF1 (Raf-1 proto-oncogene, serine/threonine kinase; minus strand). Cytogenetic location: 3p25.2.
Variant type: single nucleotide variant.
Coding change: c.953G>A on transcript NM_002880.4 (MANE Select); coding-DNA position 953, G replaced by A.
Protein change: p.Arg318Gln; replaces arginine 318 with glutamine.
Molecular consequence: missense variant. On other transcripts: non-coding transcript variant (3).
Genome position (GRCh38, 1-based): chr3:12,600,189, C>T on the plus strand (G>A on the coding strand, the complement: RAF1 is on the minus strand). VCF-style: chr3-12600189-C-T. GRCh37 (hg19) VCF-style: chr3-12641688-C-T.
Other names: c.1013G>A, p.Arg338Gln (NM_001354689.3); c.953G>A, p.Arg318Gln (NM_001354690.3); c.710G>A, p.Arg237Gln (NM_001354691.3, NM_001354692.3); c.854G>A, p.Arg285Gln (NM_001354693.3); c.770G>A, p.Arg257Gln (NM_001354694.3); c.611G>A, p.Arg204Gln (NM_001354695.3); short protein forms R204Q, R237Q, R257Q, R285Q, R318Q, R338Q.
Identifiers: ClinVar variation 663653 (VCV000663653.9), dbSNP rs757937109, ClinGen allele CA2259622.
Genomic context (GRCh38, chr3:12,600,189, plus strand): 5'-GAGGTACTGTTGTCTATACTCACAATTTTGTTTTTCTCCTGGGTCCCAGATACTGGTGCC[C>T]GCTCTCTTTGTGCTGGCACGGGGGTTTTCGGCTGTGACCAGCCTGTTGGGCTCAGATTGT-3'
Protein context (NP_002871.1, residues 308-328): PKTPVPAQRE[Arg318Gln]APVSGTQEKN

ClinVar aggregate classification (germline): Conflicting classifications of pathogenicity. Review status: criteria provided, conflicting classifications (1 of 4 stars). 3 submissions from 3 submitters: Uncertain significance (2); Likely benign (1). Last evaluated 2025-10-12.

Conditions:
RASopathy. Also called: rasopathies; Noonan spectrum disorder. Identifiers: Orphanet 536391, MedGen C5555857, MONDO:0021060.
Cardiovascular phenotype. Identifiers: MedGen CN230736.

Allele frequency attached by ClinVar (database versions not stated): TOPMed below 0.00001; gnomAD 0.00001; gnomAD exomes 0.00003 and 0.00008; ExAC 0.00016.
gnomAD v4.1: 56 of 1,614,022 alleles (0.0035%); highest among the groups gnomAD compares: Non-Finnish European, 0.0035%; no homozygotes.

Submissions (3):

Ambry Genetics
Classification: Uncertain significance for Cardiovascular phenotype. Last evaluated: 2025-10-12. Review status: criteria provided, single submitter. Criteria: Ambry Variant Classification Scheme 2023. Collection method: clinical testing. Allele origin: germline.
Comment: The p.R318Q variant (also known as c.953G>A), located in coding exon 8 of the RAF1 gene, results from a G to A substitution at nucleotide position 953. The arginine at codon 318 is replaced by glutamine, an amino acid with highly similar properties. This amino acid position is conserved. In addition, the in silico prediction for this alteration is inconclusive. Since supporting evidence is limited at this time, the clinical significance of this alteration remains unclear.

Blueprint Genetics
Classification: Likely benign. Last evaluated: 2024-11-22. Review status: criteria provided, single submitter. Criteria: ACMG Guidelines, 2015. Collection method: clinical testing. Allele origin: germline.

Labcorp Genetics (formerly Invitae), Labcorp
Classification: Uncertain significance for RASopathy. Last evaluated: 2023-08-30. Review status: criteria provided, single submitter. Criteria: Invitae Variant Classification Sherloc (09022015). Collection method: clinical testing. Allele origin: germline.
Comment: In summary, the available evidence is currently insufficient to determine the role of this variant in disease. Therefore, it has been classified as a Variant of Uncertain Significance. Advanced modeling of protein sequence and biophysical properties (such as structural, functional, and spatial information, amino acid conservation, physicochemical variation, residue mobility, and thermodynamic stability) performed at Invitae indicates that this missense variant is expected to disrupt RAF1 protein function. ClinVar contains an entry for this variant (Variation ID: 663653). This variant has not been reported in the literature in individuals affected with RAF1-related conditions. This variant is present in population databases (rs757937109, gnomAD 0.02%). This sequence change replaces arginine, which is basic and polar, with glutamine, which is neutral and polar, at codon 318 of the RAF1 protein (p.Arg318Gln).